The following is an entry in ClinVar:

ClinVar aggregate classification (germline): Uncertain significance (1 of 4 stars; one submission).

Conditions:
SCLT1-related disorder. Also called: SCLT1-related condition.

Submission:

PreventionGenetics, part of Exact Sciences
Classification: Uncertain significance for SCLT1-related condition. Last evaluated: 2026-05-14. Review status: criteria provided, single submitter. Criteria: ACMG Guidelines, 2015. Collection method: clinical testing. Allele origin: germline.
Comment: The SCLT1 c.806G>A variant is predicted to result in the amino acid substitution p.Arg269Lys. To our knowledge, this variant has not been reported in the literature or in a large population database (gnomAD), indicating this variant is rare. At this time, the clinical significance of this variant is uncertain due to the absence of conclusive functional and genetic evidence.

NM_144643.4(SCLT1):c.806G>A (p.Arg269Lys)

Gene: SCLT1 (sodium channel and clathrin linker 1; minus strand). Cytogenetic location: 4q28.2.
Variant type: single nucleotide variant.
Coding change: c.806G>A on transcript NM_144643.4 (MANE Select); coding-DNA position 806, G replaced by A.
Protein change: p.Arg269Lys; replaces arginine 269 with lysine.
Molecular consequence: missense variant.
Genome position (GRCh38, 1-based): chr4:128,965,290, C>T on the plus strand (G>A on the coding strand, the complement: SCLT1 is on the minus strand). VCF-style: chr4-128965290-C-T. GRCh37 (hg19) VCF-style: chr4-129886445-C-T.
Other names: c.806G>A, p.Arg269Lys (NM_001410807.1); short protein forms R269K.
Identifiers: ClinVar variation 4992587 (VCV004992587.1).
Genomic context (GRCh38, chr4:128,965,290, plus strand): 5'-ATTTCTAATTGTTTTATACTAGACTGTAACTGCTGTAAACGCCTATCTGATGCTTCCTCT[C>T]TTCCATGGGCAGACACCACATCCTTCTCCTAGAAAATAAAGAAACTAGAAGCTTACTTTG-3'
Protein context (NP_653244.2, residues 259-279): KEKDVVSAHG[Arg269Lys]EEASDRRLQQ